The following is an entry in ClinVar:

ClinVar aggregate classification (germline): Uncertain significance (1 of 4 stars; one submission).

gnomAD v4.1: 1 of 1,614,190 alleles (0.000062%); highest among the groups gnomAD compares: Non-Finnish European, 0.000085%; no homozygotes.

Submission:

Women's Health and Genetics/Laboratory Corporation of America, LabCorp
Classification: Uncertain significance. Last evaluated: 2023-06-06. Review status: criteria provided, single submitter. Criteria: LabCorp Variant Classification Summary - May 2015. Collection method: clinical testing. Allele origin: germline.
Comment: Variant summary: ATM c.9076C>G (p.Leu3026Val) results in a conservative amino acid change located in the FATC domain of the encoded protein sequence. Three of five in-silico tools predict a damaging effect of the variant on protein function. The variant was absent in 251460 control chromosomes. The available data on variant occurrences in the general population are insufficient to allow any conclusion about variant significance. To our knowledge, no occurrence of c.9076C>G in individuals affected with cancer and no experimental evidence demonstrating its impact on protein function have been reported. No clinical diagnostic laboratories have submitted clinical-significance assessments for this variant to ClinVar after 2014. Based on the evidence outlined above, the variant was classified as uncertain significance.

NM_000051.4(ATM):c.9076C>G (p.Leu3026Val)

Genes: ATM (ATM serine/threonine kinase; plus strand), C11orf65 (chromosome 11 open reading frame 65; minus strand). Cytogenetic location: 11q22.3.
Variant type: single nucleotide variant.
Coding change: c.9076C>G on transcript NM_000051.4 (MANE Select); coding-DNA position 9076, C replaced by G.
Protein change: p.Leu3026Val; replaces leucine 3026 with valine.
Molecular consequence: missense variant. On other transcripts: intron variant (2).
Genome position (GRCh38, 1-based): chr11:108,365,413, C>G. VCF-style: chr11-108365413-C-G. GRCh37 (hg19) VCF-style: chr11-108236140-C-G.
Other names: c.9076C>G, p.Leu3026Val (NM_001351834.2); c.640+20507G>C (NM_001330368.2); c.694+20507G>C (NM_001351110.2); short protein forms L3026V.
Identifiers: ClinVar variation 2573440 (VCV002573440.1), dbSNP rs2137917186, ClinGen allele CA382531740.